The following is an entry in ClinVar:

ClinVar aggregate classification (germline): Uncertain significance (1 of 4 stars; one submission).

Conditions:
Fanconi anemia (FA). Also called: Fanconi's anemia. Identifiers: Orphanet 84, MedGen C0015625, MeSH D005199, MONDO:0019391.

Submission:

Labcorp Genetics (formerly Invitae), Labcorp
Classification: Uncertain significance for Fanconi anemia. Last evaluated: 2021-08-04. Review status: criteria provided, single submitter. Criteria: Invitae Variant Classification Sherloc (09022015). Collection method: clinical testing. Allele origin: germline.
Comment: This variant is not present in population databases (ExAC no frequency). This variant has not been reported in the literature in individuals affected with FANCI-related conditions. This sequence change replaces phenylalanine with serine at codon 744 of the FANCI protein (p.Phe744Ser). The phenylalanine residue is weakly conserved and there is a large physicochemical difference between phenylalanine and serine. Algorithms developed to predict the effect of missense changes on protein structure and function output the following: SIFT: "Tolerated"; PolyPhen-2: "Benign"; Align-GVGD: "Class C0". The serine amino acid residue is found in multiple mammalian species, which suggests that this missense change does not adversely affect protein function. In summary, the available evidence is currently insufficient to determine the role of this variant in disease. Therefore, it has been classified as a Variant of Uncertain Significance.

NM_001113378.2(FANCI):c.2231T>C (p.Phe744Ser)

Gene: FANCI (FA complementation group I; plus strand). Cytogenetic location: 15q26.1.
Variant type: single nucleotide variant.
Coding change: c.2231T>C on transcript NM_001113378.2 (MANE Select); coding-DNA position 2231, T replaced by C.
Protein change: p.Phe744Ser; replaces phenylalanine 744 with serine.
Molecular consequence: missense variant.
Genome position (GRCh38, 1-based): chr15:89,293,003, T>C. VCF-style: chr15-89293003-T-C. GRCh37 (hg19) VCF-style: chr15-89836234-T-C.
Other names: c.1952T>C, p.Phe651Ser (NM_001376910.1); c.2231T>C, p.Phe744Ser (NM_001376911.1, NM_018193.3); short protein forms F651S, F744S.
Identifiers: ClinVar variation 1443588 (VCV001443588.6), dbSNP rs1196776537, ClinGen allele CA393749393.